The following is an entry in ClinVar:

ClinVar aggregate classification (germline): Uncertain significance (1 of 4 stars; one submission).

Submission:

Mayo Clinic Laboratories, Mayo Clinic
Classification: Uncertain significance. Last evaluated: 2023-11-08. Review status: criteria provided, single submitter. Criteria: ACMG Guidelines, 2015. Collection method: clinical testing. Allele origin: germline. Observed: 1 variant allele.
Comment: PM1, PM2_moderate

NM_002473.6(MYH9):c.2335A>G (p.Ile779Val)

Gene: MYH9 (myosin heavy chain 9; minus strand). Cytogenetic location: 22q12.3.
Variant type: single nucleotide variant.
Coding change: c.2335A>G on transcript NM_002473.6 (MANE Select); coding-DNA position 2335, A replaced by G.
Protein change: p.Ile779Val; replaces isoleucine 779 with valine.
Molecular consequence: missense variant.
Genome position (GRCh38, 1-based): chr22:36,304,050, T>C on the plus strand (A>G on the coding strand, the complement: MYH9 is on the minus strand). VCF-style: chr22-36304050-T-C. GRCh37 (hg19) VCF-style: chr22-36700096-T-C.
Other names: p.Ile779Val; short protein forms I779V.
Identifiers: ClinVar variation 3380713 (VCV003380713.1).
Genomic context (GRCh38, chr22:36,304,050, plus strand): 5'-CTCACTTCCTGGCCAGGTAGCCCCTGCAGCAGGCCTGGAACCCTATGATGACGTCGGTGA[T>C]CTTCAGGTCTCGCTCCTCCTCCAGGTGGGCCAGCACACCGGCACGGAAGAAGACTTTGCT-3'
Protein context (NP_002464.1, residues 769-789): AHLEEERDLK[Ile779Val]TDVIIGFQAC